The following is an entry in ClinVar:

ClinVar aggregate classification (germline): Uncertain significance (1 of 4 stars; one submission).

Submission:

Labcorp Genetics (formerly Invitae), Labcorp
Classification: Uncertain significance. Last evaluated: 2025-10-21. Review status: criteria provided, single submitter. Criteria: Invitae Variant Classification Sherloc (09022015). Collection method: clinical testing. Allele origin: germline.
Comment: This sequence change replaces valine, which is neutral and non-polar, with serine, which is neutral and polar, at codon 212 of the SLC12A6 protein (p.Val212Ser). Information on the frequency of this variant in the gnomAD database is not available, as this variant may be reported differently in the database. This variant has not been reported in the literature in individuals affected with SLC12A6-related conditions. ClinVar contains an entry for this variant (Variation ID: 2178630). An algorithm developed to predict the effect of missense changes on protein structure and function (PolyPhen-2) suggests that this variant is likely to be disruptive. In summary, the available evidence is currently insufficient to determine the role of this variant in disease. Therefore, it has been classified as a Variant of Uncertain Significance.

NM_001365088.1(SLC12A6):c.634_635delinsTC (p.Val212Ser)

Genes: SLC12A6 (solute carrier family 12 member 6; minus strand), LOC129390683 (MPRA-validated peak2292 silencer; plus strand). Cytogenetic location: 15q14.
Variant type: Indel.
Coding change: c.634_635delinsTC on transcript NM_001365088.1 (MANE Select); coding-DNA positions 634 to 635, GT replaced by TC.
Protein change: p.Val212Ser; replaces valine 212 with serine.
Molecular consequence: missense variant.
Genome position (GRCh38, 1-based): chr15:34,257,697-34,257,698, AC replaced by GA on the plus strand (GT replaced by TC on the coding strand, the reverse complement: SLC12A6 is on the minus strand). VCF-style: chr15-34257697-AC-GA. GRCh37 (hg19) VCF-style: chr15-34549898-AC-GA.
Other names: c.457_458delinsTC, p.Val153Ser (NM_001042494.2, NM_001042495.2); c.607_608delinsTC, p.Val203Ser (NM_001042496.2); c.589_590delinsTC, p.Val197Ser (NM_001042497.2); c.481_482delinsTC, p.Val161Ser (NM_005135.2); c.634_635delinsTC, p.Val212Ser (NM_133647.2); short protein forms V197S, V203S, V161S, V212S, V153S.
Identifiers: ClinVar variation 2178630 (VCV002178630.3), dbSNP rs2509832521, ClinGen allele CA2580089320.
Genomic context (GRCh38, chr15:34,257,697, plus strand): 5'-CTTACACAGCAGCAGCAGATAAGGACAATTGCAAAAGCCTGAAGAACTCCAGCTGTGCCC[AC>GA]CACCCATGTAAGGCGTAAAAAAAGGATCACTCCAAAAATATTTTGTAGACATGGGAGGTA-3'
Protein context (NP_001352017.1, residues 202-222): VILFLRLTWV[Val212Ser]GTAGVLQAFA